The following is an entry in ClinVar:

NM_002485.5(NBN):c.811G>A (p.Val271Ile)

Gene: NBN (nibrin; minus strand). Cytogenetic location: 8q21.3.
Variant type: single nucleotide variant.
Coding change: c.811G>A on transcript NM_002485.5 (MANE Select); coding-DNA position 811, G replaced by A.
Protein change: p.Val271Ile; replaces valine 271 with isoleucine.
Molecular consequence: missense variant.
Genome position (GRCh38, 1-based): chr8:89,970,449, C>T on the plus strand (G>A on the coding strand, the complement: NBN is on the minus strand). VCF-style: chr8-89970449-C-T. GRCh37 (hg19) VCF-style: chr8-90982677-C-T.
Other names: c.565G>A, p.Val189Ile (NM_001024688.3); short protein forms V271I, V189I.
Identifiers: ClinVar variation 231823 (VCV000231823.21), dbSNP rs876659388, ClinGen allele CA10578791.

ClinVar aggregate classification (germline): Uncertain significance. Review status: criteria provided, multiple submitters, no conflicts (2 of 4 stars). 3 submissions from 3 submitters: Uncertain significance (3). Last evaluated 2024-03-20.

Conditions:
Hereditary cancer-predisposing syndrome. Also called: Hereditary Cancer Syndrome; Neoplastic Syndromes, Hereditary; Tumor predisposition; Hereditary neoplastic syndrome. Identifiers: Orphanet 140162, MedGen C0027672, MeSH D009386, MONDO:0015356.
Microcephaly, normal intelligence and immunodeficiency (NBS). Also called: BERLIN BREAKAGE SYNDROME; Ataxia telangiectasia variant V1; IMMUNODEFICIENCY, MICROCEPHALY, AND CHROMOSOMAL INSTABILITY; SEEMANOVA SYNDROME II; Nijmegen breakage syndrome; Microcephaly with normal intelligence immunodeficiency and lymphoreticular malignancies. Identifiers: Orphanet 647, MedGen C0398791, MONDO:0009623, OMIM 251260.

Submissions (3):

Ambry Genetics
Classification: Uncertain significance for Hereditary cancer-predisposing syndrome. Last evaluated: 2024-03-20. Review status: criteria provided, single submitter. Criteria: Ambry Variant Classification Scheme 2023. Collection method: clinical testing. Allele origin: germline.
Comment: The p.V271I variant (also known as c.811G>A), located in coding exon 7 of the NBN gene, results from a G to A substitution at nucleotide position 811. The valine at codon 271 is replaced by isoleucine, an amino acid with highly similar properties. This amino acid position is well conserved in available vertebrate species. In addition, this alteration is predicted to be tolerated by in silico analysis. Since supporting evidence is limited at this time, the clinical significance of this alteration remains unclear.

Labcorp Genetics (formerly Invitae), Labcorp
Classification: Uncertain significance for Microcephaly, normal intelligence and immunodeficiency. Last evaluated: 2023-09-07. Review status: criteria provided, single submitter. Criteria: Invitae Variant Classification Sherloc (09022015). Collection method: clinical testing. Allele origin: germline.
Comment: In summary, the available evidence is currently insufficient to determine the role of this variant in disease. Therefore, it has been classified as a Variant of Uncertain Significance. Algorithms developed to predict the effect of missense changes on protein structure and function output the following: SIFT: "Not Available"; PolyPhen-2: "Benign"; Align-GVGD: "Not Available". The isoleucine amino acid residue is found in multiple mammalian species, which suggests that this missense change does not adversely affect protein function. ClinVar contains an entry for this variant (Variation ID: 231823). This variant has not been reported in the literature in individuals affected with NBN-related conditions. This variant is not present in population databases (gnomAD no frequency). This sequence change replaces valine, which is neutral and non-polar, with isoleucine, which is neutral and non-polar, at codon 271 of the NBN protein (p.Val271Ile).

Genome-Nilou Lab
Classification: Uncertain significance for Microcephaly, normal intelligence and immunodeficiency. Last evaluated: 2021-11-07. Review status: criteria provided, single submitter. Criteria: ACMG Guidelines, 2015. Collection method: clinical testing. Allele origin: germline. Affected: no.